The following is an entry in ClinVar:

NM_001267550.2(TTN):c.7856-1G>T

Gene: TTN (titin; minus strand). Cytogenetic location: 2q31.2.
Variant type: single nucleotide variant.
Coding change: c.7856-1G>T on transcript NM_001267550.2 (MANE Select); the canonical splice acceptor site of the intron before coding-DNA position 7856, G replaced by T.
Molecular consequence: splice acceptor variant.
Genome position (GRCh38, 1-based): chr2:178,771,472, C>A on the plus strand (G>T on the coding strand, the complement: TTN is on the minus strand). VCF-style: chr2-178771472-C-A. GRCh37 (hg19) VCF-style: chr2-179636199-C-A.
Other names: c.7718-1G>T (NM_003319.4, NM_133437.4, NM_133432.3); c.7856-1G>T (NM_133378.4, NM_001256850.1, NM_133379.5).
Identifiers: ClinVar variation 1386913 (VCV001386913.6), dbSNP rs2154343384, ClinGen allele CA349678823.

ClinVar aggregate classification (germline): Likely pathogenic (1 of 4 stars; one submission).

Conditions:
Dilated cardiomyopathy 1G (CMD1G). Identifiers: Orphanet 154, MedGen C1858763, MONDO:0011400, OMIM 604145.
Autosomal recessive limb-girdle muscular dystrophy type 2J (LGMDR10). Also called: Limb-girdle muscular dystrophy, type 2J; MUSCULAR DYSTROPHY, LIMB-GIRDLE, AUTOSOMAL RECESSIVE 10. Identifiers: Orphanet 140922, MedGen C1837342, MONDO:0012127, OMIM 608807.

Submission:

Labcorp Genetics (formerly Invitae), Labcorp
Classification: Likely pathogenic for Dilated cardiomyopathy 1G; Autosomal recessive limb-girdle muscular dystrophy type 2J. Last evaluated: 2024-10-18. Review status: criteria provided, single submitter. Criteria: Invitae Variant Classification Sherloc (09022015). Collection method: clinical testing. Allele origin: germline.
Comment: This sequence change affects an acceptor splice site in intron 33 of the TTN gene. It is expected to disrupt RNA splicing and likely results in a truncated or disrupted TTN protein. This variant is not present in population databases (gnomAD no frequency). This variant has not been reported in the literature in individuals affected with TTN-related conditions. ClinVar contains an entry for this variant (Variation ID: 1386913). Algorithms developed to predict the effect of sequence changes on RNA splicing suggest that this variant may disrupt the consensus splice site. This variant is located in the I band of TTN (PMID: 25589632). Truncating variants in this region have been reported in individuals affected with autosomal recessive centronuclear myopathy (PMID: 23975875, internal data). Truncating variants in this region have also been identified in individuals affected with autosomal dominant dilated cardiomyopathy and/or cardio-related conditions (PMID: 27869827, 32964742, internal data). In summary, the currently available evidence indicates that the variant is pathogenic, but additional data are needed to prove that conclusively. Therefore, this variant has been classified as Likely Pathogenic.

Literature cited by the submitters: PubMed 25589632; PubMed 23975875; PubMed 27869827; PubMed 32964742.